The following is an entry in ClinVar:

ClinVar aggregate classification (germline): Uncertain significance (1 of 4 stars; one submission).

Conditions:
Neurofibromatosis, type 1 (NF1). Also called: Neurofibromatosis, type I; Peripheral type neurofibromatosis; VON RECKLINGHAUSEN DISEASE; NEUROFIBROMATOSIS, TYPE I, SOMATIC. Identifiers: Orphanet 636, MedGen C0027831, MONDO:0018975, OMIM 162200. Disease mechanism: loss of function.

Submission:

Labcorp Genetics (formerly Invitae), Labcorp
Classification: Uncertain significance for Neurofibromatosis, type 1. Last evaluated: 2021-04-21. Review status: criteria provided, single submitter. Criteria: Invitae Variant Classification Sherloc (09022015). Collection method: clinical testing. Allele origin: germline.
Comment: In summary, the available evidence is currently insufficient to determine the role of this variant in disease. Therefore, it has been classified as a Variant of Uncertain Significance. Advanced modeling of protein sequence and biophysical properties (such as structural, functional, and spatial information, amino acid conservation, physicochemical variation, residue mobility, and thermodynamic stability) performed at Invitae indicates that this missense variant is not expected to disrupt NF1 protein function. This variant has not been reported in the literature in individuals with NF1-related conditions. This variant is not present in population databases (ExAC no frequency). This sequence change replaces glutamic acid with aspartic acid at codon 1562 of the NF1 protein (p.Glu1562Asp). The glutamic acid residue is moderately conserved and there is a small physicochemical difference between glutamic acid and aspartic acid.

NM_001042492.3(NF1):c.4749A>T (p.Glu1583Asp)

Gene: NF1 (neurofibromin 1; plus strand). Cytogenetic location: 17q11.2.
Variant type: single nucleotide variant.
Coding change: c.4749A>T on transcript NM_001042492.3 (MANE Select); coding-DNA position 4749, A replaced by T.
Protein change: p.Glu1583Asp; replaces glutamic acid 1583 with aspartic acid.
Molecular consequence: missense variant.
Genome position (GRCh38, 1-based): chr17:31,265,253, A>T. VCF-style: chr17-31265253-A-T. GRCh37 (hg19) VCF-style: chr17-29592271-A-T.
Other names: c.4686A>T, p.Glu1562Asp (NM_000267.4); short protein forms E1583D, E1562D.
Identifiers: ClinVar variation 1511500 (VCV001511500.8), dbSNP rs144091165, ClinGen allele CA399001203.